The following is an entry in ClinVar:

ClinVar aggregate classification (germline): Conflicting classifications of pathogenicity. Review status: criteria provided, conflicting classifications (1 of 4 stars). 4 submissions from 4 submitters: Uncertain significance (3); Likely benign (1). Last evaluated 2025-07-01.

Conditions:
Cardiovascular phenotype. Identifiers: MedGen CN230736.
Hereditary cancer-predisposing syndrome. Also called: Neoplastic Syndromes, Hereditary; Tumor predisposition; Hereditary neoplastic syndrome; Hereditary Cancer Syndrome. Identifiers: Orphanet 140162, MedGen C0027672, MeSH D009386, MONDO:0015356.
Neurofibromatosis, type 1 (NF1). Also called: VON RECKLINGHAUSEN DISEASE; NEUROFIBROMATOSIS, TYPE I, SOMATIC; Peripheral type neurofibromatosis; Neurofibromatosis, type I. Identifiers: Orphanet 636, MedGen C0027831, MONDO:0018975, OMIM 162200. Disease mechanism: loss of function.

Submissions (4):

GeneDx
Classification: Uncertain significance. Last evaluated: 2025-07-01. Review status: criteria provided, single submitter. Criteria: GeneDx Variant Classification Process June 2021. Collection method: clinical testing. Allele origin: germline. Affected: yes.
Comment: Not observed at significant frequency in large population cohorts (gnomAD); In silico analysis supports a deleterious effect on protein structure/function; Has not been previously published as pathogenic or benign to our knowledge; This variant is associated with the following publications: (PMID: 22807134)

Labcorp Genetics (formerly Invitae), Labcorp
Classification: Likely benign for Neurofibromatosis, type 1. Last evaluated: 2025-06-16. Review status: criteria provided, single submitter. Criteria: Invitae Variant Classification Sherloc (09022015). Collection method: clinical testing. Allele origin: germline.

Genome-Nilou Lab
Classification: Uncertain significance for Neurofibromatosis, type 1. Last evaluated: 2022-03-15. Review status: criteria provided, single submitter. Criteria: ACMG Guidelines, 2015. Collection method: clinical testing. Allele origin: germline. Affected: no.

Ambry Genetics
Classification: Uncertain significance for Cardiovascular phenotype; Hereditary cancer-predisposing syndrome. Last evaluated: 2021-09-14. Review status: criteria provided, single submitter. Criteria: Ambry Variant Classification Scheme 2023. Collection method: clinical testing. Allele origin: germline.
Comment: The p.S1503K variant (also known as c.4508_4509delGCinsAA), located in coding exon 33 of the NF1 gene, results from an in-frame deletion of GC and insertion of AA at nucleotide positions 4508 to 4509. This results in the substitution of the serine residue for a lysine residue at codon 1503, an amino acid with dissimilar properties. This amino acid position is highly conserved in available vertebrate species. Since supporting evidence is limited at this time, the clinical significance of this alteration remains unclear.

NM_001042492.3(NF1):c.4571_4572delinsAA (p.Ser1524Lys)

Gene: NF1 (neurofibromin 1; plus strand). Cytogenetic location: 17q11.2.
Variant type: Indel.
Coding change: c.4571_4572delinsAA on transcript NM_001042492.3 (MANE Select); coding-DNA positions 4571 to 4572, GC replaced by AA.
Protein change: p.Ser1524Lys; replaces serine 1524 with lysine.
Molecular consequence: missense variant.
Genome position (GRCh38, 1-based): chr17:31,260,509-31,260,510, GC replaced by AA. VCF-style: chr17-31260509-GC-AA. GRCh37 (hg19) VCF-style: chr17-29587527-GC-AA.
Other names: c.4508_4509delGCinsAA (NM_000267.3); c.4508_4509delGCinsAA, p.Ser1503Lys (NM_000267.4); short protein forms S1503K, S1524K.
Identifiers: ClinVar variation 527528 (VCV000527528.16), dbSNP rs1555618860, ClinGen allele CA658798805.